The following is an entry in ClinVar:

ClinVar aggregate classification (germline): Uncertain significance. Review status: criteria provided, multiple submitters, no conflicts (2 of 4 stars). 2 submissions from 2 submitters: Uncertain significance (2). Last evaluated 2025-03-18.

Conditions:
Cardiovascular phenotype. Identifiers: MedGen CN230736.
Long QT syndrome (LQTS). Identifiers: MedGen C0023976, MeSH D008133, MONDO:0002442. Disease mechanism: loss of function. Inheritance: Various modes of inheritance.

Allele frequency attached by ClinVar (database versions not stated): gnomAD 0.00001; TOPMed 0.00001.
gnomAD v4.1: 16 of 1,613,222 alleles (0.00099%); highest among the groups gnomAD compares: Non-Finnish European, 0.00025%; no homozygotes.

Submissions (2):

Labcorp Genetics (formerly Invitae), Labcorp
Classification: Uncertain significance for Long QT syndrome. Last evaluated: 2025-03-18. Review status: criteria provided, single submitter. Criteria: Invitae Variant Classification Sherloc (09022015). Collection method: clinical testing. Allele origin: germline.
Comment: This sequence change replaces valine, which is neutral and non-polar, with phenylalanine, which is neutral and non-polar, at codon 47 of the ANK2 protein (p.Val47Phe). This variant is present in population databases (no rsID available, gnomAD 0.05%). This variant has not been reported in the literature in individuals affected with ANK2-related conditions. ClinVar contains an entry for this variant (Variation ID: 457021). Invitae Evidence Modeling of protein sequence and biophysical properties (such as structural, functional, and spatial information, amino acid conservation, physicochemical variation, residue mobility, and thermodynamic stability) indicates that this missense variant is not expected to disrupt ANK2 protein function with a negative predictive value of 80%. In summary, the available evidence is currently insufficient to determine the role of this variant in disease. Therefore, it has been classified as a Variant of Uncertain Significance.

Ambry Genetics
Classification: Uncertain significance for Cardiovascular phenotype. Last evaluated: 2024-08-04. Review status: criteria provided, single submitter. Criteria: Ambry Variant Classification Scheme 2023. Collection method: clinical testing. Allele origin: germline.
Comment: The p.V47F variant (also known as c.139G>T), located in coding exon 2 of the ANK2 gene, results from a G to T substitution at nucleotide position 139. The valine at codon 47 is replaced by phenylalanine, an amino acid with highly similar properties. This amino acid position is conserved. In addition, this alteration is predicted to be deleterious by in silico analysis. Based on the available evidence, the clinical significance of this variant remains unclear.

NM_001148.6(ANK2):c.139G>T (p.Val47Phe)

Gene: ANK2 (ankyrin 2; plus strand). Cytogenetic location: 4q25.
Variant type: single nucleotide variant.
Coding change: c.139G>T on transcript NM_001148.6 (MANE Select); coding-DNA position 139, G replaced by T.
Protein change: p.Val47Phe; replaces valine 47 with phenylalanine.
Molecular consequence: missense variant.
Genome position (GRCh38, 1-based): chr4:113,174,470, G>T. VCF-style: chr4-113174470-G-T. GRCh37 (hg19) VCF-style: chr4-114095626-G-T.
Other names: c.76G>T, p.Val26Phe (NM_001127493.3, NM_001354239.2, NM_001354243.2 and 33 more transcripts); c.139G>T, p.Val47Phe (NM_001354225.2, NM_001354228.2, NM_001354232.2 and 9 more transcripts); c.184G>T, p.Val62Phe (NM_001354230.2, NM_001354231.2, NM_001354237.2 and 5 more transcripts); c.121G>T, p.Val41Phe (NM_001354261.2, NM_001386147.1, NM_001386160.1); c.127G>T, p.Val43Phe (NM_001354269.3, NM_001386148.2, NM_001386186.2 and 1 more transcripts); c.190G>T, p.Val64Phe (NM_001386174.1, NM_001386175.1); short protein forms V26F, V47F, V43F, V62F, V41F, V64F.
Identifiers: ClinVar variation 457021 (VCV000457021.6), dbSNP rs1388701783, ClinGen allele CA357992958.